The following is an entry in ClinVar:

NM_001005373.4(LRSAM1):c.110C>G (p.Ser37Cys)

Gene: LRSAM1 (leucine rich repeat and sterile alpha motif containing 1; plus strand). Cytogenetic location: 9q33.3.
Variant type: single nucleotide variant.
Coding change: c.110C>G on transcript NM_001005373.4 (MANE Select); coding-DNA position 110, C replaced by G.
Protein change: p.Ser37Cys; replaces serine 37 with cysteine.
Molecular consequence: missense variant. On other transcripts: 5 prime UTR variant (1), non-coding transcript variant (2).
Genome position (GRCh38, 1-based): chr9:127,455,035, C>G. VCF-style: chr9-127455035-C-G. GRCh37 (hg19) VCF-style: chr9-130217314-C-G.
Other names: c.110C>G, p.Ser37Cys (NM_001005374.4, NM_001190723.3, NM_001384142.1 and 2 more transcripts); c.-675C>G (NM_001384144.1); short protein forms S37C.
Identifiers: ClinVar variation 2118274 (VCV002118274.4), dbSNP rs2539302006, ClinGen allele CA374962106.
Genomic context (GRCh38, chr9:127,455,035, plus strand): 5'-TTAAAAATTCTTTTTATCCTTAGGCAAAAGAAGCTGGGGCAGATGACATTCTCGACATCT[C>G]TAAATGTGAGCTCTCAGAGGTAAACTGAGGATAGTGTTGGGCTGTGAATTGGATCTGTCC-3'
Protein context (NP_001005373.1, residues 27-47): EAGADDILDI[Ser37Cys]KCELSEIPFG

ClinVar aggregate classification (germline): Uncertain significance (1 of 4 stars; one submission).

Conditions:
Charcot-Marie-Tooth disease axonal type 2P. Also called: Charcot-Marie-Tooth Neuropathy Type 2G; CHARCOT-MARIE-TOOTH DISEASE, AXONAL, TYPE 2G; CMT 2G; CHARCOT-MARIE-TOOTH NEUROPATHY, TYPE 2P. Identifiers: Orphanet 300319, Orphanet 99941, MedGen C3280797, MONDO:0013753, OMIM 614436.

Submission:

Labcorp Genetics (formerly Invitae), Labcorp
Classification: Uncertain significance for Charcot-Marie-Tooth disease axonal type 2P. Last evaluated: 2022-04-01. Review status: criteria provided, single submitter. Criteria: Invitae Variant Classification Sherloc (09022015). Collection method: clinical testing. Allele origin: germline.
Comment: This variant has not been reported in the literature in individuals affected with LRSAM1-related conditions. Algorithms developed to predict the effect of missense changes on protein structure and function are either unavailable or do not agree on the potential impact of this missense change (SIFT: "Deleterious"; PolyPhen-2: "Probably Damaging"; Align-GVGD: "Class C15"). In summary, the available evidence is currently insufficient to determine the role of this variant in disease. Therefore, it has been classified as a Variant of Uncertain Significance. This variant is not present in population databases (gnomAD no frequency). This sequence change replaces serine, which is neutral and polar, with cysteine, which is neutral and slightly polar, at codon 37 of the LRSAM1 protein (p.Ser37Cys).